The following is an entry in ClinVar:

NM_001375567.1(FOCAD):c.4882C>T (p.Arg1628Trp)

Gene: FOCAD (focadhesin; plus strand). Cytogenetic location: 9p21.3.
Variant type: single nucleotide variant.
Coding change: c.4882C>T on transcript NM_001375567.1 (MANE Select); coding-DNA position 4882, C replaced by T.
Protein change: p.Arg1628Trp; replaces arginine 1628 with tryptophan.
Molecular consequence: missense variant.
Genome position (GRCh38, 1-based): chr9:20,986,441, C>T. VCF-style: chr9-20986441-C-T. GRCh37 (hg19) VCF-style: chr9-20986440-C-T.
Other names: c.4777C>T, p.Arg1593Trp (NM_001375568.1, NM_001375570.1); c.4882C>T, p.Arg1628Trp (NM_017794.5); short protein forms R1593W, R1628W.
Identifiers: ClinVar variation 3665336 (VCV003665336.2).
Genomic context (GRCh38, chr9:20,986,441, plus strand): 5'-GTGCAGCACCGTGAGAAAGAGGTGTTGGCCTGGATGATTCTGCACAGCTTATACCAGGCA[C>T]GGATTGTGAGCCATGCCAATACGGGTGAGGACACCCTGGGGTGAACATCAGAAACAGGAA-3'
Protein context (NP_001362496.1, residues 1618-1638): WMILHSLYQA[Arg1628Trp]IVSHANTGVL

ClinVar aggregate classification (germline): Uncertain significance (1 of 4 stars; one submission).

gnomAD v4.1: 20 of 1,611,056 alleles (0.0012%); highest among the groups gnomAD compares: African/African-American, 0.004%; no homozygotes.

Submission:

Labcorp Genetics (formerly Invitae), Labcorp
Classification: Uncertain significance. Last evaluated: 2024-07-30. Review status: criteria provided, single submitter. Criteria: Invitae Variant Classification Sherloc (09022015). Collection method: clinical testing. Allele origin: germline.
Comment: This sequence change replaces arginine, which is basic and polar, with tryptophan, which is neutral and slightly polar, at codon 1628 of the FOCAD protein (p.Arg1628Trp). This variant is present in population databases (rs189041170, gnomAD 0.007%). This variant has not been reported in the literature in individuals affected with FOCAD-related conditions. Experimental studies and prediction algorithms are not available or were not evaluated, and the functional significance of this variant is currently unknown. In summary, the available evidence is currently insufficient to determine the role of this variant in disease. Therefore, it has been classified as a Variant of Uncertain Significance.